The following is an entry in ClinVar:

NM_017780.4(CHD7):c.7752T>A (p.Asp2584Glu)

Gene: CHD7 (chromodomain helicase DNA binding protein 7; plus strand). Cytogenetic location: 8q12.2.
Variant type: single nucleotide variant.
Coding change: c.7752T>A on transcript NM_017780.4 (MANE Select); coding-DNA position 7752, T replaced by A.
Protein change: p.Asp2584Glu; replaces aspartic acid 2584 with glutamic acid.
Molecular consequence: missense variant. On other transcripts: intron variant (1).
Genome position (GRCh38, 1-based): chr8:60,861,047, T>A. VCF-style: chr8-60861047-T-A. GRCh37 (hg19) VCF-style: chr8-61773606-T-A.
Other names: c.7752T>A (NM_017780.3); c.1717-1182T>A (NM_001316690.1); short protein forms D2584E.
Identifiers: ClinVar variation 1502279 (VCV001502279.10), dbSNP rs1427104456, ClinGen allele CA371304617.

ClinVar aggregate classification (germline): Conflicting classifications of pathogenicity. Review status: criteria provided, conflicting classifications (1 of 4 stars). 4 submissions from 4 submitters: Uncertain significance (2); Likely benign (1). 1 of the submissions does not count toward it. Last evaluated 2026-06-17.

Conditions:
CHARGE syndrome (CHARGE). Also called: Coloboma, heart anomaly, choanal atresia, retardation, genital and ear anomalies; CHARGE association; Hall-Hittner syndrome; Hittner Hirsch Kreh syndrome; CHARGE ASSOCIATION--COLOBOMA, HEART ANOMALY, CHOANAL ATRESIA, RETARDATION, GENITAL AND EAR ANOMALIES. Identifiers: Orphanet 138, MedGen C0265354, MONDO:0008965.
Inborn genetic diseases. Identifiers: MedGen C0950123, MeSH D030342.
CHD7-related disorder. Also called: CHD7-related condition.

Allele frequency attached by ClinVar (database versions not stated): gnomAD 0.00001; TOPMed 0.00001; gnomAD exomes 0.00002.
gnomAD v4.1: 30 of 1,613,868 alleles (0.0019%); highest among the groups gnomAD compares: Non-Finnish European, 0.0025%; no homozygotes.

Submissions (4):

Ambry Genetics
Classification: Uncertain significance for Inborn genetic diseases. Last evaluated: 2026-06-17. Review status: criteria provided, single submitter. Criteria: Ambry Variant Classification Scheme 2023. Collection method: clinical testing. Allele origin: germline.

Labcorp Genetics (formerly Invitae), Labcorp
Classification: Likely benign for CHARGE syndrome. Last evaluated: 2024-11-16. Review status: criteria provided, single submitter. Criteria: Invitae Variant Classification Sherloc (09022015). Collection method: clinical testing. Allele origin: germline.

Blueprint Genetics
Classification: Uncertain significance. Last evaluated: 2024-11-12. Review status: criteria provided, single submitter. Criteria: ACMG Guidelines, 2015. Collection method: clinical testing. Allele origin: germline.

PreventionGenetics, part of Exact Sciences
Classification: Uncertain significance for CHD7-related condition. Last evaluated: 2024-07-27. Review status: no assertion criteria provided. Collection method: clinical testing. Allele origin: germline. Not counted in ClinVar's aggregate classification.
Comment: The CHD7 c.7752T>A variant is predicted to result in the amino acid substitution p.Asp2584Glu. To our knowledge, this variant has not been reported in the literature. This variant is reported in 0.0065% of alleles in individuals of European (Non-Finnish) descent in gnomAD. At this time, the clinical significance of this variant is uncertain due to the absence of conclusive functional and genetic evidence.